The following is an entry in ClinVar:

NM_001378609.3(OTOGL):c.6782-3C>T

Gene: OTOGL (otogelin like; plus strand). Cytogenetic location: 12q21.31.
Variant type: single nucleotide variant.
Coding change: c.6782-3C>T on transcript NM_001378609.3 (MANE Select); 3 bases into the intron before coding-DNA position 6782, C replaced by T.
Molecular consequence: intron variant.
Genome position (GRCh38, 1-based): chr12:80,377,120, C>T. VCF-style: chr12-80377120-C-T. GRCh37 (hg19) VCF-style: chr12-80770900-C-T.
Other names: c.6782-3C>T (NM_173591.7, NM_001378610.3); c.6647-3C>T (NM_001368062.3).
Identifiers: ClinVar variation 226973 (VCV000226973.18), dbSNP rs201877625, ClinGen allele CA6702161.

ClinVar aggregate classification (germline): Benign. Review status: criteria provided, multiple submitters, no conflicts (2 of 4 stars). 5 submissions from 5 submitters: Benign (4). 1 of the submissions does not count toward it. Last evaluated 2026-01-19.

Conditions:
OTOGL-related disorder. Also called: OTOGL-related condition.

Allele frequency attached by ClinVar (database versions not stated): ESP Exome Variant Server 0.00015; gnomAD 0.00015 and 0.00070; TOPMed 0.00023; gnomAD exomes 0.00140 and 0.00293; ExAC 0.00326; 1000 Genomes Project 30x 0.00344; 1000 Genomes Project 0.00419.
gnomAD v4.1: 2,137 of 1,596,548 alleles (0.13%); highest among the groups gnomAD compares: South Asian, 2.1%; 48 homozygotes.

Submissions (6):

Labcorp Genetics (formerly Invitae), Labcorp
Classification: Benign. Last evaluated: 2026-01-19. Review status: criteria provided, single submitter. Criteria: Invitae Variant Classification Sherloc (09022015). Collection method: clinical testing. Allele origin: germline.

GeneDx
Classification: Benign. Last evaluated: 2019-03-26. Review status: criteria provided, single submitter. Criteria: GeneDx Variant Classification Process June 2021. Collection method: clinical testing. Allele origin: germline. Affected: yes.

Laboratory for Molecular Medicine, Mass General Brigham Personalized Medicine
Classification: Benign. Last evaluated: 2015-07-01. Review status: criteria provided, single submitter. Criteria: LMM Criteria. Collection method: clinical testing. Allele origin: germline. Observed: 1 variant allele.
Comment: c.6755-3C>T in intron 56 of OTOGL: This variant is not expected to have clinical significance because it has been identified in 2.3% (357/15826) of South Asian chromosomes by the Exome Aggregation Consortium (ExAC; dbSNP rs201877625).

Breakthrough Genomics
Classification: Benign. Review status: criteria provided, single submitter. Criteria: ACMG Guidelines, 2015. Collection method: not provided. Allele origin: germline. Inheritance: Autosomal recessive inheritance. Affected: yes.

PreventionGenetics, part of Exact Sciences
Classification: Benign for OTOGL-related condition. Last evaluated: 2019-06-15. Review status: no assertion criteria provided. Collection method: clinical testing. Allele origin: germline. Not counted in ClinVar's aggregate classification.
Comment: This variant is classified as benign based on ACMG/AMP sequence variant interpretation guidelines (Richards et al. 2015 PMID: 25741868, with internal and published modifications).

Dr. Peter K. Rogan Lab, Western University
No classification provided (evidence only). Condition: Familial cancer of breast. Review status: no classification provided. Collection method: in vitro. Allele origin: not applicable. Functional consequence: retained intron. Not counted in ClinVar's aggregate classification.